The following is an entry in ClinVar:

ClinVar aggregate classification (germline): Uncertain significance (1 of 4 stars; one submission).

Conditions:
Hereditary cancer-predisposing syndrome. Also called: Neoplastic Syndromes, Hereditary; Hereditary Cancer Syndrome; Hereditary neoplastic syndrome; Tumor predisposition. Identifiers: Orphanet 140162, MedGen C0027672, MeSH D009386, MONDO:0015356.

Submission:

Labcorp Genetics (formerly Invitae), Labcorp
Classification: Uncertain significance for Hereditary cancer-predisposing syndrome. Last evaluated: 2023-04-12. Review status: criteria provided, single submitter. Criteria: Invitae Variant Classification Sherloc (09022015). Collection method: clinical testing. Allele origin: germline.
Comment: In summary, the available evidence is currently insufficient to determine the role of this variant in disease. Therefore, it has been classified as a Variant of Uncertain Significance. Advanced modeling of protein sequence and biophysical properties (such as structural, functional, and spatial information, amino acid conservation, physicochemical variation, residue mobility, and thermodynamic stability) performed at Invitae indicates that this missense variant is not expected to disrupt RAD50 protein function. This variant has not been reported in the literature in individuals affected with RAD50-related conditions. This variant is not present in population databases (gnomAD no frequency). This sequence change replaces valine, which is neutral and non-polar, with leucine, which is neutral and non-polar, at codon 497 of the RAD50 protein (p.Val497Leu).

NM_005732.4(RAD50):c.1489G>T (p.Val497Leu)

Gene: RAD50 (RAD50 double strand break repair protein; plus strand). Cytogenetic location: 5q31.1.
Variant type: single nucleotide variant.
Coding change: c.1489G>T on transcript NM_005732.4 (MANE Select); coding-DNA position 1489, G replaced by T.
Protein change: p.Val497Leu; replaces valine 497 with leucine.
Molecular consequence: missense variant.
Genome position (GRCh38, 1-based): chr5:132,591,260, G>T. VCF-style: chr5-132591260-G-T. GRCh37 (hg19) VCF-style: chr5-131926952-G-T.
Other names: short protein forms V497L.
Identifiers: ClinVar variation 2845324 (VCV002845324.3), dbSNP rs1750691889, ClinGen allele CA360945562.